The following is an entry in ClinVar:

NM_001375524.1(TRRAP):c.5314G>A (p.Gly1772Arg)

Genes: TRRAP (transformation/transcription domain associated protein; plus strand), LOC126860121 (MED14-independent group 3 enhancer GRCh37_chr7:98547245-98548444; plus strand). Cytogenetic location: 7q22.1.
Variant type: single nucleotide variant.
Coding change: c.5314G>A on transcript NM_001375524.1 (MANE Select); coding-DNA position 5314, G replaced by A.
Protein change: p.Gly1772Arg; replaces glycine 1772 with arginine.
Molecular consequence: missense variant.
Genome position (GRCh38, 1-based): chr7:98,950,242, G>A. VCF-style: chr7-98950242-G-A. GRCh37 (hg19) VCF-style: chr7-98547865-G-A.
Other names: c.5293G>A (NM_001244580.1); c.5293G>A, p.Gly1765Arg (NM_001244580.2); c.5239G>A, p.Gly1747Arg (NM_003496.4); c.5239G>A (NM_003496.3); short protein forms G1772R, G1747R, G1765R.
Identifiers: ClinVar variation 1487642 (VCV001487642.8), dbSNP rs145834316, ClinGen allele CA4360526.

ClinVar aggregate classification (germline): Uncertain significance. Review status: criteria provided, multiple submitters, no conflicts (2 of 4 stars). 3 submissions from 3 submitters: Uncertain significance (3). Last evaluated 2025-11-11.

Conditions:
Inborn genetic diseases. Identifiers: MedGen C0950123, MeSH D030342.
TRRAP-related disorder. Also called: TRRAP-related condition.

Allele frequency attached by ClinVar (database versions not stated): gnomAD 0.00001; TOPMed 0.00001; ExAC 0.00002; ESP Exome Variant Server 0.00008.
gnomAD v4.1: 11 of 1,614,058 alleles (0.00068%); highest among the groups gnomAD compares: East Asian, 0.0022%; no homozygotes.

Submissions (3):

PreventionGenetics, part of Exact Sciences
Classification: Uncertain significance for TRRAP-related condition. Last evaluated: 2025-11-11. Review status: criteria provided, single submitter. Criteria: ACMG Guidelines, 2015. Collection method: clinical testing. Allele origin: germline.
Comment: The TRRAP c.5239G>A variant is predicted to result in the amino acid substitution p.Gly1747Arg. To our knowledge, this variant has not been reported in the literature. This variant is reported in 0.0062% of alleles in individuals of African descent in gnomAD. At this time, the clinical significance of this variant is uncertain due to the absence of conclusive functional and genetic evidence.

Labcorp Genetics (formerly Invitae), Labcorp
Classification: Uncertain significance. Last evaluated: 2025-10-07. Review status: criteria provided, single submitter. Criteria: Invitae Variant Classification Sherloc (09022015). Collection method: clinical testing. Allele origin: germline.
Comment: This sequence change replaces glycine, which is neutral and non-polar, with arginine, which is basic and polar, at codon 1747 of the TRRAP protein (p.Gly1747Arg). This variant is present in population databases (rs145834316, gnomAD 0.007%). This variant has not been reported in the literature in individuals affected with TRRAP-related conditions. ClinVar contains an entry for this variant (Variation ID: 1487642). Invitae Evidence Modeling of protein sequence and biophysical properties (such as structural, functional, and spatial information, amino acid conservation, physicochemical variation, residue mobility, and thermodynamic stability) indicates that this missense variant is not expected to disrupt TRRAP protein function with a negative predictive value of 80%. In summary, the available evidence is currently insufficient to determine the role of this variant in disease. Therefore, it has been classified as a Variant of Uncertain Significance.

Ambry Genetics
Classification: Uncertain significance for Inborn genetic diseases. Last evaluated: 2024-02-17. Review status: criteria provided, single submitter. Criteria: Ambry Variant Classification Scheme 2023. Collection method: clinical testing. Allele origin: germline.